The following is an entry in ClinVar:

NM_000090.4(COL3A1):c.2642del (p.Pro881fs)

Gene: COL3A1 (collagen type III alpha 1 chain; plus strand). Cytogenetic location: 2q32.2.
Variant type: Deletion.
Coding change: c.2642del on transcript NM_000090.4 (MANE Select); coding-DNA position 2642, one base deleted (C; older notation c.2642delC).
Protein change: p.Pro881fs; shifts the reading frame from proline 881.
Molecular consequence: frameshift variant.
Genome position (GRCh38, 1-based): chr2:189,003,768, C deleted; the last of 2 consecutive C bases (chr2:189,003,767-189,003,768); deleting either gives the same sequence. VCF-style (leftmost placement, unchanged base first): chr2-189003766-TC-T. GRCh37 (hg19) VCF-style: chr2-189868492-TC-T.
Other names: c.2642delC (NM_000090.3); short protein forms P881fs.
Identifiers: ClinVar variation 263774 (VCV000263774.3), dbSNP rs886038920, ClinGen allele CA10587540.

ClinVar aggregate classification (germline): Pathogenic (1 of 4 stars; one submission).

Conditions:
Cardiovascular phenotype. Identifiers: MedGen CN230736.

Submission:

Ambry Genetics
Classification: Pathogenic for Cardiovascular phenotype. Last evaluated: 2013-10-01. Review status: criteria provided, single submitter. Criteria: Ambry Autosomal Dominant and X-Linked criteria (10/2015). Collection method: clinical testing. Allele origin: germline. Observed: 1 variant allele.
Comment: Ã¢â‚¬â€¹The c.2642delC pathogenic mutation, located in coding exon 38 of the COL3A1 gene, results from a deletion of one nucleotide at position 2642, causing a translational frameshift with a predicted alternate stop codon. Since frameshifts are typically deleterious in nature, this alteration is interpreted as a disease-causing mutation (ACMG Recommendations for Standards for Interpretation and Reporting of Sequence Variations. Revision 2007. Genet Med. 2008;10:294).